The following is an entry in ClinVar:

NM_001393769.1(MED12L):c.872C>T (p.Ser291Phe)

Gene: MED12L (mediator complex subunit 12L; plus strand). Cytogenetic location: 3q25.1.
Variant type: single nucleotide variant.
Coding change: c.872C>T on transcript NM_001393769.1 (MANE Select); coding-DNA position 872, C replaced by T.
Protein change: p.Ser291Phe; replaces serine 291 with phenylalanine.
Molecular consequence: missense variant.
Genome position (GRCh38, 1-based): chr3:151,159,866, C>T. VCF-style: chr3-151159866-C-T. GRCh37 (hg19) VCF-style: chr3-150877653-C-T.
Other names: c.872C>T, p.Ser291Phe (NM_053002.6); c.872C>T (NM_053002.4); short protein forms S291F.
Identifiers: ClinVar variation 3336172 (VCV003336172.2).

ClinVar aggregate classification (germline): Uncertain significance. Review status: criteria provided, multiple submitters, no conflicts (2 of 4 stars). 2 submissions from 2 submitters: Uncertain significance (2). Last evaluated 2024-12-02.

Submissions (2):

GeneDx
Classification: Uncertain significance. Last evaluated: 2024-12-02. Review status: criteria provided, single submitter. Criteria: GeneDx Variant Classification Process June 2021. Collection method: clinical testing. Allele origin: germline. Affected: yes.
Comment: Not observed at significant frequency in large population cohorts (gnomAD); In silico analysis supports that this missense variant has a deleterious effect on protein structure/function; Has not been previously published as pathogenic or benign to our knowledge

Women's Health and Genetics/Laboratory Corporation of America, LabCorp
Classification: Uncertain significance. Last evaluated: 2024-05-06. Review status: criteria provided, single submitter. Criteria: LabCorp Variant Classification Summary - May 2015. Collection method: clinical testing. Allele origin: germline.
Comment: Variant summary: MED12L c.872C>T (p.Ser291Phe) results in a non-conservative amino acid change located in the Mediator complex, subunit Med12, LCEWAV-domain (IPR021990) of the encoded protein sequence. Four of five in-silico tools predict a damaging effect of the variant on protein function. The variant was absent in 251412 control chromosomes. The available data on variant occurrences in the general population are insufficient to allow any conclusion about variant significance. To our knowledge, no occurrence of c.872C>T in individuals affected with Nizon-Isidor Syndrome and no experimental evidence demonstrating its impact on protein function have been reported. No submitters have cited clinical-significance assessments for this variant to ClinVar. Based on the evidence outlined above, the variant was classified as uncertain significance.